The following is an entry in ClinVar:

ClinVar aggregate classification (germline): Uncertain significance (1 of 4 stars; one submission).

Conditions:
Mosaic variegated aneuploidy syndrome 1 (MVA1). Also called: Warburton-Anyane-Yeboa syndrome. Identifiers: Orphanet 1052, MedGen C1850343, MONDO:0009759, OMIM 257300.

Allele frequency attached by ClinVar (database versions not stated): gnomAD exomes below 0.00001.
gnomAD v4.1: 1 of 1,613,812 alleles (0.000062%); highest among the groups gnomAD compares: Middle Eastern, 0.016%; no homozygotes.

Submission:

Labcorp Genetics (formerly Invitae), Labcorp
Classification: Uncertain significance for Mosaic variegated aneuploidy syndrome 1. Last evaluated: 2019-08-14. Review status: criteria provided, single submitter. Criteria: Invitae Variant Classification Sherloc (09022015). Collection method: clinical testing. Allele origin: germline.
Comment: In summary, the available evidence is currently insufficient to determine the role of this variant in disease. Therefore, it has been classified as a Variant of Uncertain Significance. Algorithms developed to predict the effect of sequence changes on RNA splicing suggest that this variant may disrupt the consensus splice site, but this prediction has not been confirmed by published transcriptional studies. This variant has not been reported in the literature in individuals with BUB1B-related conditions. This variant is not present in population databases (ExAC no frequency). This sequence change falls in intron 16 of the BUB1B gene. It does not directly change the encoded amino acid sequence of the BUB1B protein.

NM_001211.6(BUB1B):c.2144-5G>A

Gene: BUB1B (BUB1 mitotic checkpoint serine/threonine kinase B; plus strand). Cytogenetic location: 15q15.1.
Variant type: single nucleotide variant.
Coding change: c.2144-5G>A on transcript NM_001211.6 (MANE Select); 5 bases into the intron before coding-DNA position 2144, G replaced by A.
Molecular consequence: intron variant.
Genome position (GRCh38, 1-based): chr15:40,209,630, G>A. VCF-style: chr15-40209630-G-A. GRCh37 (hg19) VCF-style: chr15-40501831-G-A.
Identifiers: ClinVar variation 952506 (VCV000952506.9), dbSNP rs2037684260, ClinGen allele CA1139663847.
Genomic context (GRCh38, chr15:40,209,630, plus strand): 5'-AATATCCATTTTAAGCATTAGGGTTTTTTTGGTGATATATTTTCACCTTTCCCTCCCACT[G>A]GCAGAAAACCCTACTCAGTCACCATGGTGTTCACAGTATCGCAGACAGCTACTGAAGTCC-3'